The following is an entry in ClinVar:

NM_019597.5(HNRNPH2):c.698G>A (p.Arg233His)

Genes: HNRNPH2 (heterogeneous nuclear ribonucleoprotein H2; plus strand), RPL36A-HNRNPH2 (RPL36A-HNRNPH2 readthrough; plus strand). Cytogenetic location: Xq22.1.
Variant type: single nucleotide variant.
Coding change: c.698G>A on transcript NM_019597.5 (MANE Select); coding-DNA position 698, G replaced by A.
Protein change: p.Arg233His; replaces arginine 233 with histidine.
Molecular consequence: missense variant. On other transcripts: 3 prime UTR variant (2).
Genome position (GRCh38, 1-based): chrX:101,412,686, G>A. VCF-style: chrX-101412686-G-A. GRCh37 (hg19) VCF-style: chrX-100667674-G-A.
Other names: c.*694G>A (NM_001199973.2, NM_001199974.2); c.698G>A, p.Arg233His (NM_001032393.3); short protein forms R233H.
Identifiers: ClinVar variation 3252297 (VCV003252297.1), dbSNP rs782017930.
Genomic context (GRCh38, chrX:101,412,686, plus strand): 5'-CGGGGGCTGGCAGAGGGTATAATAGCATTGGCAGAGGAGCTGGGTTTGAAAGGATGAGGC[G>A]TGGTGCCTATGGTGGAGGGTATGGAGGCTATGATGACTATGGTGGCTATAATGATGGATA-3'
Protein context (NP_062543.1, residues 223-243): GRGAGFERMR[Arg233His]GAYGGGYGGY

ClinVar aggregate classification (germline): Uncertain significance (1 of 4 stars; one submission).

Allele frequency attached by ClinVar (database versions not stated): gnomAD exomes below 0.00001; ExAC 0.00001.
gnomAD v4.1: 3 of 1,211,203 alleles (0.00025%); highest among the groups gnomAD compares: Non-Finnish European, 0.00022%; no homozygotes.

Submission:

GeneDx
Classification: Uncertain significance. Last evaluated: 2023-10-08. Review status: criteria provided, single submitter. Criteria: GeneDx Variant Classification Process June 2021. Collection method: clinical testing. Allele origin: germline. Affected: yes.
Comment: In silico analysis supports that this missense variant does not alter protein structure/function; Has not been previously published as pathogenic or benign to our knowledge